The following is an entry in ClinVar:

ClinVar aggregate classification (germline): Uncertain significance. Review status: criteria provided, multiple submitters, no conflicts (2 of 4 stars). 2 submissions from 2 submitters: Uncertain significance (2). Last evaluated 2025-10-02.

Conditions:
Age related macular degeneration 4. Identifiers: MedGen C1853147, MONDO:0012540, OMIM 610698.
Factor H deficiency (CFHD). Also called: COMPLEMENT FACTOR H DEFICIENCY; CFH DEFICIENCY. Identifiers: Orphanet 200421, MedGen C0398777, MONDO:0012350, OMIM 609814.
Atypical hemolytic-uremic syndrome. Identifiers: Orphanet 2134, MedGen C2931788, MONDO:0016244.
Basal laminar drusen. Also called: DRUSEN OF BRUCH MEMBRANE; DRUSEN, CUTICULAR; DRUSEN, EARLY ADULT-ONSET, GROUPED. Identifiers: Orphanet 75376, MedGen C0730295, MONDO:0007472, OMIM 126700.

gnomAD v4.1: 14 of 1,610,722 alleles (0.00087%); highest among the groups gnomAD compares: South Asian, 0.013%; no homozygotes.

Submissions (2):

Genomenon, Inc
Classification: Uncertain significance for Basal laminar drusen; Age related macular degeneration 4; Atypical hemolytic-uremic syndrome; Factor H deficiency. Last evaluated: 2025-10-02. Review status: criteria provided, single submitter. Criteria: Genomenon Sequence Variant Interpretation Standards - Updated. Collection method: curation. Allele origin: germline. Affected: no.
Comment: CFH p.Glu833Lys (c.2497G>A) is a missense variant that changes the amino acid at residue 833 from Glutamic acid to Lysine. This variant has been reported in the published literature (PMID:34508573). It is absent or not present at a significant frequency in gnomAD. In conclusion, we classify CFH p.Glu833Lys (c.2497G>A) as a variant of uncertain significance.

Blueprint Genetics
Classification: Uncertain significance. Last evaluated: 2021-06-24. Review status: criteria provided, single submitter. Criteria: ACMG Guidelines, 2015. Collection method: clinical testing. Allele origin: germline.

Literature cited by the submitters: PubMed 34508573 (cited by Genomenon, Inc).

NM_000186.4(CFH):c.2497G>A (p.Glu833Lys)

Gene: CFH (complement factor H; plus strand). Cytogenetic location: 1q31.3.
Variant type: single nucleotide variant.
Coding change: c.2497G>A on transcript NM_000186.4 (MANE Select); coding-DNA position 2497, G replaced by A.
Protein change: p.Glu833Lys; replaces glutamic acid 833 with lysine.
Molecular consequence: missense variant.
Genome position (GRCh38, 1-based): chr1:196,736,907, G>A. VCF-style: chr1-196736907-G-A. GRCh37 (hg19) VCF-style: chr1-196706037-G-A.
Other names: short protein forms E833K.
Identifiers: ClinVar variation 4291483 (VCV004291483.2).
Genomic context (GRCh38, chr1:196,736,907, plus strand): 5'-CCTCCACCTCAGATTCCCAATTCTCACAATATGACAACCACACTGAATTATCGGGATGGA[G>A]AAAAAGTATCTGTTCTTTGCCAAGAAAATTATCTAATTCAGGAAGGAGAAGAAATTACAT-3'
Protein context (NP_000177.2, residues 823-843): MTTTLNYRDG[Glu833Lys]KVSVLCQENY